The following is an entry in ClinVar:

ClinVar aggregate classification (germline): Likely benign (0 of 4 stars; one submission).

Conditions:
FREM2-related disorder. Also called: FREM2-related condition.

gnomAD v4.1: 140 of 1,614,150 alleles (0.0087%); highest among the groups gnomAD compares: African/African-American, 0.16%; no homozygotes.

Submission:

PreventionGenetics, part of Exact Sciences
Classification: Likely benign for FREM2-related condition. Last evaluated: 2024-08-07. Review status: no assertion criteria provided. Collection method: clinical testing. Allele origin: germline.
Comment: This variant is classified as likely benign based on ACMG/AMP sequence variant interpretation guidelines (Richards et al. 2015 PMID: 25741868, with internal and published modifications).

NM_207361.6(FREM2):c.8228T>C (p.Val2743Ala)

Gene: FREM2 (FRAS1 related extracellular matrix 2; plus strand). Cytogenetic location: 13q13.3.
Variant type: single nucleotide variant.
Coding change: c.8228T>C on transcript NM_207361.6 (MANE Select); coding-DNA position 8228, T replaced by C.
Protein change: p.Val2743Ala; replaces valine 2743 with alanine.
Molecular consequence: missense variant.
Genome position (GRCh38, 1-based): chr13:38,874,533, T>C. VCF-style: chr13-38874533-T-C. GRCh37 (hg19) VCF-style: chr13-39448670-T-C.
Other names: short protein forms V2743A.
Identifiers: ClinVar variation 3356596 (VCV003356596.1).
Genomic context (GRCh38, chr13:38,874,533, plus strand): 5'-CCATTATAGGTTCTCTCTATCCAACCAGCATGCGCATCGGTGATGAGGGGCGCTTGGCCG[T>C]GCACTTCAAGACAGAGGCTCAGTTCCATGGCTTATTTGTGCTGTCACATCCCGGTAAGCC-3'
Protein context (NP_997244.4, residues 2733-2753): MRIGDEGRLA[Val2743Ala]HFKTEAQFHG